The following is an entry in ClinVar:

NM_001379659.1(ZNF142):c.4114C>T (p.Gln1372Ter)

Gene: ZNF142 (zinc finger protein 142; minus strand). Cytogenetic location: 2q35.
Variant type: single nucleotide variant.
Coding change: c.4114C>T on transcript NM_001379659.1 (MANE Select); coding-DNA position 4114, C replaced by T.
Protein change: p.Gln1372Ter; replaces glutamine 1372 with a stop codon.
Molecular consequence: nonsense.
Genome position (GRCh38, 1-based): chr2:218,643,002, G>A on the plus strand (C>T on the coding strand, the complement: ZNF142 is on the minus strand). VCF-style: chr2-218643002-G-A. GRCh37 (hg19) VCF-style: chr2-219507725-G-A.
Other names: c.3514C>T (NM_001105537.2); c.3514C>T, p.Gln1172Ter (NM_001105537.5, NM_001366291.3, NM_001379662.1); c.3025C>T, p.Gln1009Ter (NM_001366287.3, NM_001366288.3, NM_001366289.3); c.4114C>T, p.Gln1372Ter (NM_001366290.3, NM_001379660.1, NM_001379661.1); short protein forms Q1009*, Q1172*, Q1372*.
Identifiers: ClinVar variation 1705654 (VCV001705654.4), dbSNP rs1697371244, ClinGen allele CA350585766.

ClinVar aggregate classification (germline): Pathogenic/Likely pathogenic. Review status: criteria provided, multiple submitters, no conflicts (2 of 4 stars). 4 submissions from 4 submitters: Pathogenic (3); Likely pathogenic (1). Last evaluated 2025-04-15.

Conditions:
ZNF142-related disorder. Also called: ZNF142-related condition.
Neurodevelopmental disorder with impaired speech and hyperkinetic movements. Identifiers: MedGen C5193088, MONDO:0032741, OMIM 618425.

Allele frequency attached by ClinVar (database versions not stated): gnomAD exomes below 0.00001; TOPMed below 0.00001.
gnomAD v4.1: 1 of 1,610,692 alleles (0.000062%); highest among the groups gnomAD compares: South Asian, 0.0011%; no homozygotes.

Submissions (4):

Tumer Group, Copenhagen University Hospital, Rigshospitalet
Classification: Pathogenic for Neurodevelopmental disorder with impaired speech and hyperkinetic movements. Last evaluated: 2025-04-15. Review status: criteria provided, single submitter. Criteria: ACMG Guidelines, 2015. Collection method: research. Allele origin: biparental. Affected: yes.

Victorian Clinical Genetics Services, Murdoch Childrens Research Institute
Classification: Pathogenic for Neurodevelopmental disorder with impaired speech and hyperkinetic movements. Last evaluated: 2024-10-10. Review status: criteria provided, single submitter. Criteria: ACMG Guidelines, 2015. Collection method: clinical testing. Allele origin: germline. Inheritance: Autosomal recessive inheritance.
Comment: Based on the classification scheme VCGS_Germline_v1.3.5, this variant is classified as Pathogenic. Following criteria are met: 0102 - Loss of function is a known mechanism of disease in this gene and is associated with neurodevelopmental disorder with impaired speech and hyperkinetic movements. (I) 0106 - This gene is associated with autosomal recessive disease. (I) 0115 - Variants in this gene are known to have variable expressivity. Patients have been reported to have variable severity of seizures, tremor, and dystonia (PMID:31036918). (I) 0201 - Variant is predicted to cause nonsense-mediated decay (NMD) and loss of protein (premature termination codon is located at least 54 nucleotides upstream of the final exon-exon junction). (SP) 0251 - This variant is heterozygous. (I) 0304 - Variant is present in gnomAD (v4) <0.01 for a recessive condition (1 heterozygotes, 0 homozygotes). (SP) 0701 - Other NMD-predicted variants comparable to the one identified in this case have very strong previous evidence for pathogenicity. Many NMD-predicted variants have been reported as pathogenic or likely pathogenic (DECIPHER). (SP) 0802 - This variant has moderate previous evidence of pathogenicity in unrelated individuals. This variant has been reported three times as pathogenic (ClinVar, DECIPHER) and in three individuals from one family with a syndromic neurodevelopmental disorder (PMID: 35616059). (SP) 1207 - Parental origin of the variant is unresolved. (I) Legend: (SP) - Supporting pathogenic, (I) - Information, (SB) - Supporting benign

3billion
Classification: Pathogenic for Neurodevelopmental disorder with impaired speech and hyperkinetic movements. Last evaluated: 2022-09-01. Review status: criteria provided, single submitter. Criteria: ACMG Guidelines, 2015. Collection method: clinical testing. Allele origin: germline. Affected: yes. Observed: 1 homozygote.
Comment: The variant is not observed in the gnomAD v2.1.1 dataset. Stop-gained (nonsense) is predicted to result in a loss or disruption of normal protein function through nonsense-mediated decay (NMD) or protein truncation. Multiple pathogenic variants are reported downstream of the variant. Therefore, this variant is classified as Pathogenic according to the recommendation of ACMG/AMP guideline.

Blueprint Genetics
Classification: Likely pathogenic for ZNF142-related disorders. Last evaluated: 2021-03-10. Review status: criteria provided, single submitter. Criteria: ACMG Guidelines, 2015. Collection method: clinical testing. Allele origin: germline. Affected: yes. Observed: 1 variant allele.

Literature cited by the submitters: PubMed 31036918 (cited by Victorian Clinical Genetics Services, Murdoch Childrens Research Institute); PubMed 35616059 (cited by Victorian Clinical Genetics Services, Murdoch Childrens Research Institute).